The following is an entry in ClinVar:

NM_000540.3(RYR1):c.7994G>A (p.Gly2665Glu)

Gene: RYR1 (ryanodine receptor 1; plus strand). Cytogenetic location: 19q13.2.
Variant type: single nucleotide variant.
Coding change: c.7994G>A on transcript NM_000540.3 (MANE Select); coding-DNA position 7994, G replaced by A.
Protein change: p.Gly2665Glu; replaces glycine 2665 with glutamic acid.
Molecular consequence: missense variant.
Genome position (GRCh38, 1-based): chr19:38,504,287, G>A. VCF-style: chr19-38504287-G-A. GRCh37 (hg19) VCF-style: chr19-38994927-G-A.
Other names: c.7994G>A, p.Gly2665Glu (NM_001042723.2); short protein forms G2665E.
Identifiers: ClinVar variation 3385462 (VCV003385462.3).

ClinVar aggregate classification (germline): Uncertain significance. Review status: criteria provided, multiple submitters, no conflicts (2 of 4 stars). 3 submissions from 3 submitters: Uncertain significance (3). Last evaluated 2024-12-31.

Conditions:
Malignant hyperthermia, susceptibility to, 1 (MHS1). Also called: Anesthesia related hyperthermia; Malignant hyperpyrexia; Fulminating hyperpyrexia; Pharmacogenic myopathy; Malignant hyperthermia suceptibility 1; RYR1-Related Malignant Hyperthermia Susceptibility. Identifiers: Orphanet 423, MedGen C2930980, MONDO:0007783, OMIM 145600.
Inborn genetic diseases. Identifiers: MedGen C0950123, MeSH D030342.

Submissions (3):

Ambry Genetics
Classification: Uncertain significance for Inborn genetic diseases. Last evaluated: 2024-12-31. Review status: criteria provided, single submitter. Criteria: Ambry Variant Classification Scheme 2023. Collection method: clinical testing. Allele origin: germline.

All of Us Research Program, National Institutes of Health
Classification: Uncertain significance for Malignant hyperthermia, susceptibility to, 1. Last evaluated: 2024-07-20. Review status: criteria provided, single submitter. Criteria: ACMG Guidelines, 2015. Collection method: clinical testing. Allele origin: germline. Inheritance: Autosomal dominant inheritance. Observed: 1 variant allele, 1 heterozygote.
Comment: This missense variant replaces glycine with glutamic acid at codon 2665 of the RYR1 protein. Computational prediction suggests that this variant may have deleterious impact on protein structure and function (internally defined REVEL score threshold >= 0.7, PMID: 27666373). To our knowledge, functional studies have not been reported for this variant. This variant has not been reported in individuals affected with RYR1-related disorders in the literature. This variant has not been identified in the general population by the Genome Aggregation Database (gnomAD). The available evidence is insufficient to determine the role of this variant in disease conclusively. Therefore, this variant is classified as a Variant of Uncertain Significance.

This study involves interpretation of variants in research participants for the purpose of population health screening. Participant phenotype was not available at the time of variant classification. Additional details can be found in publication PMID: 35346344, PMCID: PMC8962531

Revvity Omics, Revvity
Classification: Uncertain significance. Last evaluated: 2024-03-18. Review status: criteria provided, single submitter. Criteria: ACMG Guidelines, 2015. Collection method: clinical testing. Allele origin: germline.